The following is an entry in ClinVar:

ClinVar aggregate classification (germline): Uncertain significance. Review status: criteria provided, single submitter (1 of 4 stars). 2 submissions from 2 submitters: Uncertain significance (1). 1 of the submissions does not count toward it. Last evaluated 2023-06-30.

Conditions:
IFT81-related disorder. Also called: IFT81-related condition.

Allele frequency attached by ClinVar (database versions not stated): TOPMed below 0.00001; ExAC 0.00001; gnomAD exomes 0.00002.
gnomAD v4.1: 13 of 1,613,808 alleles (0.00081%); highest among the groups gnomAD compares: Admixed American, 0.0017%; no homozygotes.

Submissions (2):

Labcorp Genetics (formerly Invitae), Labcorp
Classification: Uncertain significance. Last evaluated: 2023-06-30. Review status: criteria provided, single submitter. Criteria: Invitae Variant Classification Sherloc (09022015). Collection method: clinical testing. Allele origin: germline.
Comment: ClinVar contains an entry for this variant (Variation ID: 2416525). This variant has not been reported in the literature in individuals affected with IFT81-related conditions. This variant is present in population databases (rs745699140, gnomAD 0.003%). This sequence change replaces alanine, which is neutral and non-polar, with serine, which is neutral and polar, at codon 62 of the IFT81 protein (p.Ala62Ser). Advanced modeling of protein sequence and biophysical properties (such as structural, functional, and spatial information, amino acid conservation, physicochemical variation, residue mobility, and thermodynamic stability) performed at Invitae indicates that this missense variant is not expected to disrupt IFT81 protein function. In summary, the available evidence is currently insufficient to determine the role of this variant in disease. Therefore, it has been classified as a Variant of Uncertain Significance.

PreventionGenetics, part of Exact Sciences
Classification: Uncertain significance for IFT81-related condition. Last evaluated: 2024-07-01. Review status: no assertion criteria provided. Collection method: clinical testing. Allele origin: germline. Not counted in ClinVar's aggregate classification.
Comment: The IFT81 c.184G>T variant is predicted to result in the amino acid substitution p.Ala62Ser. To our knowledge, this variant has not been reported in the literature. This variant is reported in 0.0028% of alleles in individuals of Latino descent in gnomAD. At this time, the clinical significance of this variant is uncertain due to the absence of conclusive functional and genetic evidence.

NM_014055.4(IFT81):c.184G>T (p.Ala62Ser)

Gene: IFT81 (intraflagellar transport 81; plus strand). Cytogenetic location: 12q24.11.
Variant type: single nucleotide variant.
Coding change: c.184G>T on transcript NM_014055.4 (MANE Select); coding-DNA position 184, G replaced by T.
Protein change: p.Ala62Ser; replaces alanine 62 with serine.
Molecular consequence: missense variant. On other transcripts: 5 prime UTR variant (2), non-coding transcript variant (4).
Genome position (GRCh38, 1-based): chr12:110,128,085, G>T. VCF-style: chr12-110128085-G-T. GRCh37 (hg19) VCF-style: chr12-110565890-G-T.
Other names: c.184G>T, p.Ala62Ser (NM_001143779.2, NM_001347946.2, NM_031473.4); c.-583G>T (NM_001347947.2, NM_001347948.2); c.184G>T (NM_014055.3); short protein forms A62S.
Identifiers: ClinVar variation 2416525 (VCV002416525.5), dbSNP rs745699140, ClinGen allele CA6783016.
Genomic context (GRCh38, chr12:110,128,085, plus strand): 5'-TTTTTTCAATTTCTTTGTTAGCAACTTGTGGATATCAGAGAGGAGATGCCAGAGCAGACA[G>T]CCAAACGAATGTTGAGCCTTCTTGGTATTCTTAAGTACAAACCTTCAGGAAATGCCACAG-3'
Protein context (NP_054774.2, residues 52-72): DIREEMPEQT[Ala62Ser]KRMLSLLGIL